The following is an entry in ClinVar:

NM_000271.5(NPC1):c.1337T>A (p.Leu446Ter)

Gene: NPC1 (NPC intracellular cholesterol transporter 1; minus strand). Cytogenetic location: 18q11.2.
Variant type: single nucleotide variant.
Coding change: c.1337T>A on transcript NM_000271.5 (MANE Select); coding-DNA position 1337, T replaced by A.
Protein change: p.Leu446Ter; replaces leucine 446 with a stop codon.
Molecular consequence: nonsense.
Genome position (GRCh38, 1-based): chr18:23,554,974, A>T on the plus strand (T>A on the coding strand, the complement: NPC1 is on the minus strand). VCF-style: chr18-23554974-A-T. GRCh37 (hg19) VCF-style: chr18-21134938-A-T.
Other names: short protein forms L446*.
Identifiers: ClinVar variation 983757 (VCV000983757.3), dbSNP rs2058929021, ClinGen allele CA401776746.
Genomic context (GRCh38, chr18:23,554,974, plus strand): 5'-TCTTGAAGTGTCACAGTCTCATTGTCATAAGAGGCAGTAATGTTTTCGATGGCTATTTGT[A>T]AGTCAAGAACCTGAAAGAAGATTTTAAAAATAAGCAAACCCAGAAACACGTCACATTTCT-3'

ClinVar aggregate classification (germline): Likely pathogenic (1 of 4 stars; one submission).

Conditions:
Niemann-Pick disease, type C1. Also called: NIEMANN-PICK DISEASE, VARIANT TYPE C1; NIEMANN-PICK DISEASE WITHOUT SPHINGOMYELINASE DEFICIENCY; NIEMANN-PICK DISEASE, CHRONIC NEURONOPATHIC FORM; NEUROVISCERAL STORAGE DISEASE WITH VERTICAL SUPRANUCLEAR OPHTHALMOPLEGIA; NIEMANN-PICK DISEASE WITH CHOLESTEROL ESTERIFICATION BLOCK. Identifiers: Orphanet 646, MedGen C3179455, MONDO:0009757, OMIM 257220.

Submission:

Myriad Genetics, Inc.
Classification: Likely pathogenic for Niemann-Pick disease, type C1. Last evaluated: 2020-02-04. Review status: criteria provided, single submitter. Criteria: Myriad Women's Health Autosomal Recessive and X-Linked Classification Criteria (2019). Collection method: clinical testing. Allele origin: unknown.
Comment: NM_000271.4(NPC1):c.1337T>A(L446*) is expected to be pathogenic in the context of Niemann-Pick disease type C1. This variant is predicted to lead to an abnormal or absent protein product due to the creation of a premature termination codon in NPC1, a gene where loss-of-function variants are known to be pathogenic. Please note: this variant was assessed in the context of healthy population screening.